The following is an entry in ClinVar:

ClinVar aggregate classification (germline): Likely benign. Review status: criteria provided, single submitter (1 of 4 stars). 2 submissions from 2 submitters: Likely benign (1). 1 of the submissions does not count toward it. Last evaluated 2019-12-31.

Conditions:
ACACB-related disorder. Also called: ACACB-related condition.

Allele frequency attached by ClinVar (database versions not stated): ExAC 0.00045; 1000 Genomes Project 30x 0.00047; gnomAD exomes 0.00055 and 0.00103; 1000 Genomes Project 0.00060; gnomAD 0.00060 and 0.00063; TOPMed 0.00071; ESP Exome Variant Server 0.00085.
gnomAD v4.1: 1,582 of 1,613,032 alleles (0.098%); highest among the groups gnomAD compares: Non-Finnish European, 0.12%; 1 homozygote.

Submissions (2):

Labcorp Genetics (formerly Invitae), Labcorp
Classification: Likely benign. Last evaluated: 2019-12-31. Review status: criteria provided, single submitter. Criteria: Invitae Variant Classification Sherloc (09022015). Collection method: clinical testing. Allele origin: germline.

PreventionGenetics, part of Exact Sciences
Classification: Likely benign for ACACB-related condition. Last evaluated: 2024-04-24. Review status: no assertion criteria provided. Collection method: clinical testing. Allele origin: germline. Not counted in ClinVar's aggregate classification.
Comment: This variant is classified as likely benign based on ACMG/AMP sequence variant interpretation guidelines (Richards et al. 2015 PMID: 25741868, with internal and published modifications).

NM_001093.4(ACACB):c.7260A>G (p.Glu2420=)

Gene: ACACB (acetyl-CoA carboxylase beta; plus strand). Cytogenetic location: 12q24.11.
Variant type: single nucleotide variant.
Coding change: c.7260A>G on transcript NM_001093.4 (MANE Select); coding-DNA position 7260, A replaced by G.
Protein change: p.Glu2420=; no amino-acid change (glutamic acid 2420 retained).
Molecular consequence: synonymous variant.
Genome position (GRCh38, 1-based): chr12:109,266,245, A>G. VCF-style: chr12-109266245-A-G. GRCh37 (hg19) VCF-style: chr12-109704050-A-G.
Identifiers: ClinVar variation 774902 (VCV000774902.6), dbSNP rs148418026, ClinGen allele CA6775437.
Genomic context (GRCh38, chr12:109,266,245, plus strand): 5'-ACTGAAAAAGTGGCTGGAGTGATCCCAGCCCTCCTCTCACCTCCCCCACAGCCTGGTTGA[A>G]GAAAACCCCGAGGTGGCCGTGGACTGTGTGATATACCTGAGCCAGCACATCAGCCCAGCT-3'
Protein context (NP_001084.3, residues 2410-2430): SVLKTIRGLV[Glu2420=]ENPEVAVDCV